The following is an entry in ClinVar:

NM_022124.6(CDH23):c.5392G>A (p.Glu1798Lys)

Gene: CDH23 (cadherin related 23; plus strand). Cytogenetic location: 10q22.1.
Variant type: single nucleotide variant.
Coding change: c.5392G>A on transcript NM_022124.6 (MANE Select); coding-DNA position 5392, G replaced by A.
Protein change: p.Glu1798Lys; replaces glutamic acid 1798 with lysine.
Molecular consequence: missense variant.
Genome position (GRCh38, 1-based): chr10:71,784,310, G>A. VCF-style: chr10-71784310-G-A. GRCh37 (hg19) VCF-style: chr10-73544067-G-A.
Other names: short protein forms E1798K.
Identifiers: ClinVar variation 1052167 (VCV001052167.6), dbSNP rs2132938066, ClinGen allele CA377144494.
Genomic context (GRCh38, chr10:71,784,310, plus strand): 5'-TGCCCGACTAACTTGGGCCTCTCCTGGTGACACCCAGGGGAGTTTGTGATCTCTCCTGTG[G>A]AGGGGGTGCTAAGGGTCCGGAAGGACGTGGAGCTGGACCGGGAGACCATCGCCTTCTACA-3'
Protein context (NP_071407.4, residues 1788-1808): PLGEFVISPV[Glu1798Lys]GVLRVRKDVE

ClinVar aggregate classification (germline): Uncertain significance (1 of 4 stars; one submission).

Submission:

Labcorp Genetics (formerly Invitae), Labcorp
Classification: Uncertain significance. Last evaluated: 2021-08-31. Review status: criteria provided, single submitter. Criteria: Invitae Variant Classification Sherloc (09022015). Collection method: clinical testing. Allele origin: germline.
Comment: This sequence change replaces glutamic acid with lysine at codon 1798 of the CDH23 protein (p.Glu1798Lys). The glutamic acid residue is highly conserved and there is a small physicochemical difference between glutamic acid and lysine. This variant is not present in population databases (ExAC no frequency). This variant has not been reported in the literature in individuals affected with CDH23-related conditions. Algorithms developed to predict the effect of missense changes on protein structure and function are either unavailable or do not agree on the potential impact of this missense change (SIFT: "Deleterious"; PolyPhen-2: "Not Available"; Align-GVGD: "Class C0"). In summary, the available evidence is currently insufficient to determine the role of this variant in disease. Therefore, it has been classified as a Variant of Uncertain Significance.